The following is an entry in ClinVar:

NM_000264.5(PTCH1):c.1333G>A (p.Gly445Ser)

Gene: PTCH1 (patched 1; minus strand). Cytogenetic location: 9q22.32.
Variant type: single nucleotide variant.
Coding change: c.1333G>A on transcript NM_000264.5 (MANE Select); coding-DNA position 1333, G replaced by A.
Protein change: p.Gly445Ser; replaces glycine 445 with serine.
Molecular consequence: missense variant. On other transcripts: non-coding transcript variant (1).
Genome position (GRCh38, 1-based): chr9:95,478,069, C>T on the plus strand (G>A on the coding strand, the complement: PTCH1 is on the minus strand). VCF-style: chr9-95478069-C-T. GRCh37 (hg19) VCF-style: chr9-98240351-C-T.
Other names: c.1135G>A, p.Gly379Ser (NM_001083602.3); c.1330G>A, p.Gly444Ser (NM_001083603.3); c.880G>A, p.Gly294Ser (NM_001083604.3, NM_001083605.3, NM_001083606.3 and 1 more transcripts); c.1333G>A, p.Gly445Ser (NM_001354918.2); c.1333G>A (NM_000264.4, NM_000264.3); short protein forms G379S, G444S, G445S, G294S.
Identifiers: ClinVar variation 1450603 (VCV001450603.13), dbSNP rs2118329828, ClinGen allele CA374118731.
Genomic context (GRCh38, chr9:95,478,069, plus strand): 5'-AACCAAACCAAACTCCAGCCCCCAGGAGCATGGCATCGAGCGTTACCATGAGTAAGTAGC[C>T]GCTGGCCACGCGGATGACACTGACGTCAGAGAAGGATTTCAGGATGTCGTCCAGGGTCGT-3'
Protein context (NP_000255.2, residues 435-455): SDVSVIRVAS[Gly445Ser]YLLMLAYACL

ClinVar aggregate classification (germline): Uncertain significance. Review status: criteria provided, multiple submitters, no conflicts (2 of 4 stars). 3 submissions from 3 submitters: Uncertain significance (3). Last evaluated 2025-09-21.

Conditions:
Hereditary cancer-predisposing syndrome. Also called: Tumor predisposition; Hereditary neoplastic syndrome; Hereditary Cancer Syndrome; Neoplastic Syndromes, Hereditary. Identifiers: Orphanet 140162, MedGen C0027672, MeSH D009386, MONDO:0015356.
Gorlin syndrome. Also called: Basal cell nevus syndrome; Nevoid Basal Cell Carcinoma Syndrome. Identifiers: Orphanet 377, MedGen C0004779, MONDO:0007187.

Allele frequency attached by ClinVar (database versions not stated): gnomAD exomes below 0.00001.
gnomAD v4.1: 7 of 1,614,156 alleles (0.00043%); highest among the groups gnomAD compares: East Asian, 0.0022%; no homozygotes.

Submissions (3):

Ambry Genetics
Classification: Uncertain significance for Hereditary cancer-predisposing syndrome. Last evaluated: 2025-09-21. Review status: criteria provided, single submitter. Criteria: Ambry Variant Classification Scheme 2023. Collection method: clinical testing. Allele origin: germline.
Comment: The p.G445S variant (also known as c.1333G>A), located in coding exon 9 of the PTCH1 gene, results from a G to A substitution at nucleotide position 1333. The glycine at codon 445 is replaced by serine, an amino acid with similar properties. This amino acid position is highly conserved in available vertebrate species. In addition, this alteration is predicted to be deleterious by in silico analysis. Since supporting evidence is limited at this time, the clinical significance of this alteration remains unclear.

Labcorp Genetics (formerly Invitae), Labcorp
Classification: Uncertain significance for Gorlin syndrome. Last evaluated: 2025-03-26. Review status: criteria provided, single submitter. Criteria: Invitae Variant Classification Sherloc (09022015). Collection method: clinical testing. Allele origin: germline.
Comment: This sequence change replaces glycine, which is neutral and non-polar, with serine, which is neutral and polar, at codon 445 of the PTCH1 protein (p.Gly445Ser). This variant is not present in population databases (gnomAD no frequency). This variant has not been reported in the literature in individuals affected with PTCH1-related conditions. ClinVar contains an entry for this variant (Variation ID: 1450603). Invitae Evidence Modeling of protein sequence and biophysical properties (such as structural, functional, and spatial information, amino acid conservation, physicochemical variation, residue mobility, and thermodynamic stability) has been performed for this missense variant. However, the output from this modeling did not meet the statistical confidence thresholds required to predict the impact of this variant on PTCH1 protein function. In summary, the available evidence is currently insufficient to determine the role of this variant in disease. Therefore, it has been classified as a Variant of Uncertain Significance.

Quest Diagnostics Nichols Institute San Juan Capistrano
Classification: Uncertain significance. Last evaluated: 2024-09-28. Review status: criteria provided, single submitter. Criteria: Quest Diagnostics criteria. Collection method: clinical testing. Allele origin: unknown.
Comment: The PTCH1 c.1333G>A (p.Gly445Ser) variant has been reported in the published literature in an individual with neurofibromatosis type 2 who also carried a de novo pathogenic NF2 variant (PMID: 33067351 (2021)). This variant has not been reported in large, multi-ethnic general populations (Genome Aggregation Database). Analysis of this variant using bioinformatics tools for the prediction of the effect of amino acid changes on protein structure and function yielded predictions that this variant is damaging. Based on the available information, we are unable to determine the clinical significance of this variant.

Literature cited by the submitters: PubMed 33067351 (cited by Quest Diagnostics Nichols Institute San Juan Capistrano).